The following is an entry in ClinVar:

NM_058246.4(DNAJB6):c.268G>C (p.Gly90Arg)

Gene: DNAJB6 (DnaJ heat shock protein family (Hsp40) member B6; plus strand). Cytogenetic location: 7q36.3.
Variant type: single nucleotide variant.
Coding change: c.268G>C on transcript NM_058246.4 (MANE Select); coding-DNA position 268, G replaced by C.
Protein change: p.Gly90Arg; replaces glycine 90 with arginine.
Molecular consequence: missense variant.
Genome position (GRCh38, 1-based): chr7:157,367,405, G>C. VCF-style: chr7-157367405-G-C. GRCh37 (hg19) VCF-style: chr7-157160099-G-C.
Other names: c.268G>C, p.Gly90Arg (NM_001363676.1, NM_005494.3); short protein forms G90R.
Identifiers: ClinVar variation 4700669 (VCV004700669.1).

ClinVar aggregate classification (germline): Uncertain significance (1 of 4 stars; one submission).

Conditions:
Autosomal dominant limb-girdle muscular dystrophy type 1D (DNAJB6) (LGMDD1). Also called: MUSCULAR DYSTROPHY, LIMB-GIRDLE, TYPE 1D; MUSCULAR DYSTROPHY, AUTOSOMAL DOMINANT, WITH RIMMED VACUOLES; Autosomal dominant limb-girdle muscular dystrophy type 1D; Muscular dystrophy, limb-girdle, autosomal dominant 1. Identifiers: Orphanet 34516, MedGen C4721885, MONDO:0021018, OMIM 603511.

Submission:

Labcorp Genetics (formerly Invitae), Labcorp
Classification: Uncertain significance for Autosomal dominant limb-girdle muscular dystrophy type 1D (DNAJB6). Last evaluated: 2025-06-15. Review status: criteria provided, single submitter. Criteria: Invitae Variant Classification Sherloc (09022015). Collection method: clinical testing. Allele origin: germline.
Comment: This sequence change replaces glycine, which is neutral and non-polar, with arginine, which is basic and polar, at codon 90 of the DNAJB6 protein (p.Gly90Arg). This variant is not present in population databases (gnomAD no frequency). This variant has not been reported in the literature in individuals affected with DNAJB6-related conditions. Invitae Evidence Modeling of protein sequence and biophysical properties (such as structural, functional, and spatial information, amino acid conservation, physicochemical variation, residue mobility, and thermodynamic stability) indicates that this missense variant is not expected to disrupt DNAJB6 protein function with a negative predictive value of 80%. In summary, the available evidence is currently insufficient to determine the role of this variant in disease. Therefore, it has been classified as a Variant of Uncertain Significance.